The following is an entry in ClinVar:

NM_000090.4(COL3A1):c.2454T>A (p.Asn818Lys)

Gene: COL3A1 (collagen type III alpha 1 chain; plus strand). Cytogenetic location: 2q32.2.
Variant type: single nucleotide variant.
Coding change: c.2454T>A on transcript NM_000090.4 (MANE Select); coding-DNA position 2454, T replaced by A.
Protein change: p.Asn818Lys; replaces asparagine 818 with lysine.
Molecular consequence: missense variant.
Genome position (GRCh38, 1-based): chr2:189,002,963, T>A. VCF-style: chr2-189002963-T-A. GRCh37 (hg19) VCF-style: chr2-189867689-T-A.
Other names: short protein forms N818K.
Identifiers: ClinVar variation 3386467 (VCV003386467.1).
Genomic context (GRCh38, chr2:189,002,963, plus strand): 5'-ATTGTATCATAAAGAGTGTCAGCTGAGAGATTGCTGTTGTTGTTGCATGTAGGGACAGAA[T>A]GGTGAACCTGGTGGTAAAGGAGAAAGAGGGGCTCCGGGTGAGAAAGGTGAAGGAGGCCCT-3'
Protein context (NP_000081.2, residues 808-828): PAGFPGAPGQ[Asn818Lys]GEPGGKGERG

ClinVar aggregate classification (germline): Uncertain significance (1 of 4 stars; one submission).

Conditions:
Ehlers-Danlos syndrome, type 4 (EDSVASC). Also called: Ehlers-Danlos syndrome vascular type; Ehlers Danlos syndrome, ecchymotic type; Ehlers Danlos syndrome, arterial type; Ehlers Danlos syndrome, Sack-Barabas type; Ehlers-Danlos Syndrome Type IV. Identifiers: Orphanet 286, MedGen C0268338, MONDO:0017314, OMIM 130050.

Submission:

All of Us Research Program, National Institutes of Health
Classification: Uncertain significance for Ehlers-Danlos syndrome, type 4. Last evaluated: 2024-02-22. Review status: criteria provided, single submitter. Criteria: ACMG Guidelines, 2015. Collection method: clinical testing. Allele origin: germline. Inheritance: Autosomal dominant inheritance. Observed: 1 variant allele, 1 heterozygote.
Comment: This missense variant replaces asparagine with lysine at codon 818 of the COL3A1 protein. Computational prediction suggests that this variant may not impact protein structure and function (internally defined REVEL score threshold <= 0.5, PMID: 27666373). To our knowledge, functional studies have not been reported for this variant. This variant has not been reported in individuals affected with COL3A1-related disorders in the literature. This variant has not been identified in the general population by the Genome Aggregation Database (gnomAD). The available evidence is insufficient to determine the role of this variant in disease conclusively. Therefore, this variant is classified as a Variant of Uncertain Significance.

This study involves interpretation of variants in research participants for the purpose of population health screening. Participant phenotype was not available at the time of variant classification. Additional details can be found in publication PMID: 35346344, PMCID: PMC8962531